The following is an entry in ClinVar:

NM_004260.4(RECQL4):c.3496G>C (p.Gly1166Arg)

Gene: RECQL4 (RecQ like helicase 4; minus strand). Cytogenetic location: 8q24.3.
Variant type: single nucleotide variant.
Coding change: c.3496G>C on transcript NM_004260.4 (MANE Select); coding-DNA position 3496, G replaced by C.
Protein change: p.Gly1166Arg; replaces glycine 1166 with arginine.
Molecular consequence: missense variant.
Genome position (GRCh38, 1-based): chr8:144,511,687, C>G on the plus strand (G>C on the coding strand, the complement: RECQL4 is on the minus strand). VCF-style: chr8-144511687-C-G. GRCh37 (hg19) VCF-style: chr8-145737070-C-G.
Other names: short protein forms G1166R.
Identifiers: ClinVar variation 528976 (VCV000528976.11), dbSNP rs779410033, ClinGen allele CA4947717.

ClinVar aggregate classification (germline): Uncertain significance. Review status: criteria provided, multiple submitters, no conflicts (2 of 4 stars). 3 submissions from 3 submitters: Uncertain significance (3). Last evaluated 2025-12-06.

Conditions:
RECQL4-related disorder. Also called: RECQL4-related disorders; RECQL4-related condition.
Baller-Gerold syndrome (BGS). Also called: CRANIOSYNOSTOSIS WITH RADIAL DEFECTS. Identifiers: Orphanet 1225, MedGen C0265308, MONDO:0009039, OMIM 218600.

Allele frequency attached by ClinVar (database versions not stated): TOPMed 0.00006.
gnomAD v4.1: 37 of 1,612,306 alleles (0.0023%); highest among the groups gnomAD compares: Non-Finnish European, 0.0028%; no homozygotes.

Submissions (3):

Labcorp Genetics (formerly Invitae), Labcorp
Classification: Uncertain significance for Baller-Gerold syndrome. Last evaluated: 2025-12-06. Review status: criteria provided, single submitter. Criteria: Invitae Variant Classification Sherloc (09022015). Collection method: clinical testing. Allele origin: germline.
Comment: This sequence change replaces glycine, which is neutral and non-polar, with arginine, which is basic and polar, at codon 1166 of the RECQL4 protein (p.Gly1166Arg). This variant is present in population databases (rs779410033, gnomAD 0.004%). This variant has not been reported in the literature in individuals affected with RECQL4-related conditions. ClinVar contains an entry for this variant (Variation ID: 528976). Invitae Evidence Modeling of protein sequence and biophysical properties (such as structural, functional, and spatial information, amino acid conservation, physicochemical variation, residue mobility, and thermodynamic stability) indicates that this missense variant is expected to disrupt RECQL4 protein function with a positive predictive value of 80%. In summary, the available evidence is currently insufficient to determine the role of this variant in disease. Therefore, it has been classified as a Variant of Uncertain Significance.

PreventionGenetics, part of Exact Sciences
Classification: Uncertain significance for RECQL4-related condition. Last evaluated: 2022-10-26. Review status: criteria provided, single submitter. Criteria: ACMG Guidelines, 2015. Collection method: clinical testing. Allele origin: germline.
Comment: The RECQL4 c.3496G>C variant is predicted to result in the amino acid substitution p.Gly1166Arg. To our knowledge, this variant has not been reported in the literature. This variant is reported in 0.0042% of alleles in individuals of African descent in gnomAD and is interpreted as uncertain in ClinVar. At this time, the clinical significance of this variant is uncertain due to the absence of conclusive functional and genetic evidence.

GeneDx
Classification: Uncertain significance. Last evaluated: 2019-11-25. Review status: criteria provided, single submitter. Criteria: GeneDx Variant Classification Process June 2021. Collection method: clinical testing. Allele origin: germline. Affected: yes.
Comment: In silico analysis, which includes protein predictors and evolutionary conservation, supports a deleterious effect; Has not been previously published as pathogenic or benign to our knowledge